The following is an entry in ClinVar:

ClinVar aggregate classification (germline): Uncertain significance (1 of 4 stars; one submission).

Conditions:
Aicardi-Goutieres syndrome 5. Identifiers: Orphanet 51, MedGen C2749659, MONDO:0013059, OMIM 612952.

Allele frequency attached by ClinVar (database versions not stated): TOPMed 0.00001.

Submission:

Labcorp Genetics (formerly Invitae), Labcorp
Classification: Uncertain significance for Aicardi-Goutieres syndrome 5. Last evaluated: 2022-09-13. Review status: criteria provided, single submitter. Criteria: Invitae Variant Classification Sherloc (09022015). Collection method: clinical testing. Allele origin: germline.
Comment: This sequence change replaces glutamic acid, which is acidic and polar, with aspartic acid, which is acidic and polar, at codon 29 of the SAMHD1 protein (p.Glu29Asp). This variant is not present in population databases (gnomAD no frequency). This variant has not been reported in the literature in individuals affected with SAMHD1-related conditions. ClinVar contains an entry for this variant (Variation ID: 940950). Algorithms developed to predict the effect of missense changes on protein structure and function output the following: SIFT: "Tolerated"; PolyPhen-2: "Benign"; Align-GVGD: "Class C0". The aspartic acid amino acid residue is found in multiple mammalian species, which suggests that this missense change does not adversely affect protein function. In summary, the available evidence is currently insufficient to determine the role of this variant in disease. Therefore, it has been classified as a Variant of Uncertain Significance.

NM_015474.4(SAMHD1):c.87G>T (p.Glu29Asp)

Gene: SAMHD1 (SAM and HD domain containing deoxynucleoside triphosphate triphosphohydrolase 1; minus strand). Cytogenetic location: 20q11.23.
Variant type: single nucleotide variant.
Coding change: c.87G>T on transcript NM_015474.4 (MANE Select); coding-DNA position 87, G replaced by T.
Protein change: p.Glu29Asp; replaces glutamic acid 29 with aspartic acid.
Molecular consequence: missense variant.
Genome position (GRCh38, 1-based): chr20:36,951,557, C>A on the plus strand (G>T on the coding strand, the complement: SAMHD1 is on the minus strand). VCF-style: chr20-36951557-C-A. GRCh37 (hg19) VCF-style: chr20-35579960-C-A.
Other names: c.87G>T, p.Glu29Asp (NM_001363729.2, NM_001363733.2); short protein forms E29D.
Identifiers: ClinVar variation 940950 (VCV000940950.7), dbSNP rs1451769476, ClinGen allele CA408832420.